The following is an entry in ClinVar:

NM_003000.2(SDHB):c.-139G>T

Gene: SDHB (succinate dehydrogenase complex iron sulfur subunit B; minus strand). Cytogenetic location: 1p36.13.
Variant type: single nucleotide variant.
Coding change: c.-139G>T on transcript NM_003000.2; 139 bases upstream of the start codon, G replaced by T.
Genome position (GRCh38, 1-based): chr1:17,054,158, C>A on the plus strand (G>T on the coding strand, the complement: SDHB is on the minus strand). VCF-style: chr1-17054158-C-A. GRCh37 (hg19) VCF-style: chr1-17380653-C-A.
Identifiers: ClinVar variation 293820 (VCV000293820.35), dbSNP rs114522228, ClinGen allele CA10608759.

ClinVar aggregate classification (germline): Benign. Review status: criteria provided, multiple submitters, no conflicts (2 of 4 stars). 5 submissions from 4 submitters: Benign (5). Last evaluated 2023-07-01.

Conditions:
Carney-Stratakis syndrome. Also called: PARAGANGLIOMA AND GASTROINTESTINAL STROMAL TUMOR. Identifiers: Orphanet 97286, MedGen C1847319, MONDO:0011740, OMIM 606864.
Hereditary pheochromocytoma and paraganglioma. Also called: Hereditary Paraganglioma-Pheochromocytoma Syndromes; Hereditary paragangliomas and pheochromocytomas; Hereditary pheochromocytoma-paraganglioma. Identifiers: Orphanet 29072, MedGen C4274332, MONDO:0017366.

Allele frequency attached by ClinVar (database versions not stated): gnomAD 0.00671 and 0.00690; TOPMed 0.00680; 1000 Genomes Project 30x 0.00625; gnomAD exomes 0.00854; 1000 Genomes Project 0.00619.

Submissions (5):

CeGaT Center for Human Genetics Tuebingen
Classification: Benign. Last evaluated: 2023-07-01. Review status: criteria provided, single submitter. Criteria: CeGaT Center For Human Genetics Tuebingen Variant Classification Criteria Version 2. Collection method: clinical testing. Allele origin: germline. Affected: yes. Observed: 19 variant alleles.
Comment: SDHB: BS1, BS2

Illumina Laboratory Services, Illumina
Classification: Benign for Hereditary Paraganglioma-Pheochromocytoma Syndromes. Last evaluated: 2018-01-13. Review status: criteria provided, single submitter. Criteria: ICSL Variant Classification Criteria 13 December 2019. Collection method: clinical testing. Allele origin: germline.
Comment: This variant was observed in the ICSL laboratory as part of a predisposition screen in an ostensibly healthy population. It had not been previously curated by ICSL or reported in the Human Gene Mutation Database (HGMD: prior to June 1st, 2018), and was therefore a candidate for classification through an automated scoring system. Utilizing variant allele frequency, disease prevalence and penetrance estimates, and inheritance mode, an automated score was calculated to assess if this variant is too frequent to cause the disease. Based on the score and internal cut-off values, a variant classified as benign is not then subjected to further curation. The score for this variant resulted in a classification of benign for this disease.

Illumina Laboratory Services, Illumina
Classification: Benign for Carney-Stratakis syndrome. Last evaluated: 2018-01-13. Review status: criteria provided, single submitter. Criteria: ICSL Variant Classification Criteria 13 December 2019. Collection method: clinical testing. Allele origin: germline.
Comment: the same text as in the submission from Illumina Laboratory Services, Illumina above.

GeneDx
Classification: Benign. Last evaluated: 2015-03-03. Review status: criteria provided, single submitter. Criteria: GeneDx Variant Classification Process June 2021. Collection method: clinical testing. Allele origin: germline. Affected: yes.

Breakthrough Genomics
Classification: Benign. Review status: criteria provided, single submitter. Criteria: ACMG Guidelines, 2015. Collection method: not provided. Allele origin: germline. Inheritance: Autosomal recessive inheritance. Affected: yes.